The following is an entry in ClinVar:

NM_000048.4(ASL):c.447-1G>A

Gene: ASL (argininosuccinate lyase; plus strand). Cytogenetic location: 7q11.21.
Variant type: single nucleotide variant.
Coding change: c.447-1G>A on transcript NM_000048.4 (MANE Select); the canonical splice acceptor site of the intron before coding-DNA position 447, G replaced by A.
Molecular consequence: splice acceptor variant.
Genome position (GRCh38, 1-based): chr7:66,086,584, G>A. VCF-style: chr7-66086584-G-A. GRCh37 (hg19) VCF-style: chr7-65551571-G-A.
Other names: c.447-1G>A (NM_001024943.2, NM_001024944.2, NM_001024946.2).
Identifiers: ClinVar variation 552765 (VCV000552765.28), dbSNP rs778254333, ClinGen allele CA4276970.
Genomic context (GRCh38, chr7:66,086,584, plus strand): 5'-AGTGTCACAGGCAGGCCTTGCATGAGCCTCCACCCGAGCTTCTGCTCCTCCTCTCCCACA[G>A]GGAACGTGATGTTCTCTTCCCGGGGTACACCCATTTGCAGAGGGCCCAGCCCATCCGCTG-3'

ClinVar aggregate classification (germline): Pathogenic/Likely pathogenic. Review status: criteria provided, multiple submitters, no conflicts (2 of 4 stars). 6 submissions from 6 submitters: Pathogenic (5); Likely pathogenic (1). Last evaluated 2025-12-08.

Conditions:
Argininosuccinate lyase deficiency. Also called: Argininosuccinic aciduria; ARGININOSUCCINIC ACID LYASE DEFICIENCY; ASL DEFICIENCY. Identifiers: Orphanet 23, MedGen C0268547, MONDO:0008815, OMIM 207900, HP:0025630.

Allele frequency attached by ClinVar (database versions not stated): gnomAD exomes 0.00001; ExAC 0.00002; gnomAD 0.00002; TOPMed 0.00002.
gnomAD v4.1: 20 of 1,613,478 alleles (0.0012%); highest among the groups gnomAD compares: Admixed American, 0.0017%; no homozygotes.

Submissions (7):

Labcorp Genetics (formerly Invitae), Labcorp
Classification: Pathogenic for Argininosuccinate lyase deficiency. Last evaluated: 2025-12-08. Review status: criteria provided, single submitter. Criteria: Invitae Variant Classification Sherloc (09022015). Collection method: clinical testing. Allele origin: germline.
Comment: This sequence change affects an acceptor splice site in intron 6 of the ASL gene. It is expected to disrupt RNA splicing. Variants that disrupt the donor or acceptor splice site typically lead to a loss of protein function (PMID: 16199547), and loss-of-function variants in ASL are known to be pathogenic (PMID: 2263616, 24166829). This variant is present in population databases (rs778254333, gnomAD 0.002%). Disruption of this splice site has been observed in individual(s) with elevated levels of argininosuccinic acid in plasma (PMID: 23430928). ClinVar contains an entry for this variant (Variation ID: 552765). Algorithms developed to predict the effect of sequence changes on RNA splicing suggest that this variant may disrupt the consensus splice site. For these reasons, this variant has been classified as Pathogenic.

Natera, Inc.
Classification: Pathogenic for Argininosuccinate lyase deficiency. Last evaluated: 2025-06-30. Review status: criteria provided, single submitter. Criteria: Natera Variant Classification Schema (03/2026). Collection method: clinical testing. Allele origin: germline.
Comment: The c.447-1G>A variant in ASL is a canonical splice acceptor site variant predicted to affect pre-mRNA splicing, which may result in an abnormal transcript and altered protein product. This variant is expected to result in nonsense mediated decay, truncation, or a dysfunctional protein product. This variant is rare in the general population with a frequency below the threshold expected for the associated phenotype(s). This variant has been observed in one or more individuals affected with the associated recessive disease, as either homozygous or compound heterozygous with a second variant (PMID: 24166829). Given the available evidence, this variant is classified as Pathogenic.

Fulgent Genetics
Classification: Pathogenic for Argininosuccinate lyase deficiency. Last evaluated: 2024-03-18. Review status: criteria provided, single submitter. Criteria: ACMG Guidelines, 2015. Collection method: clinical testing. Allele origin: germline.

Women's Health and Genetics/Laboratory Corporation of America, LabCorp
Classification: Pathogenic for Argininosuccinate lyase deficiency. Last evaluated: 2023-04-03. Review status: criteria provided, single submitter. Criteria: LabCorp Variant Classification Summary - May 2015. Collection method: clinical testing. Allele origin: germline.
Comment: Variant summary: ASL c.447-1G>A is located in a canonical splice-site and is predicted to affect mRNA splicing resulting in a significantly altered protein due to either exon skipping, shortening, or inclusion of intronic material. Several computational tools predict a significant impact on normal splicing: Four predict the variant abolishes a canonical 3' acceptor site, and three predict it creates a cryptic 3' acceptor site. However, these predictions have yet to be confirmed by functional studies. The variant allele was found at a frequency of 8e-06 in 250688 control chromosomes. c.447-1G>A has been reported in the literature in individuals affected with Argininosuccinate lyase deficiency (Peuscher_2012, Balmer_2014), and these are reported as compound heterozygous with other pathogenic variants. These data indicate that the variant is likely to be associated with disease. To our knowledge, no experimental evidence demonstrating an impact on protein function has been reported. Five submitters have provided clinical-significance assessments for this variant to ClinVar after 2014, and all laboratories classified the variant as pathogenic/likely pathogenic. Based on the evidence outlined above, the variant was classified as pathogenic.

GeneDx
Classification: Likely pathogenic. Last evaluated: 2023-02-09. Review status: criteria provided, single submitter. Criteria: GeneDx Variant Classification Process June 2021. Collection method: clinical testing. Allele origin: germline. Affected: yes.
Comment: Canonical splice site variant expected to result in aberrant splicing, although in the absence of functional evidence the actual effect of this sequence change is unknown.; Not observed at a significant frequency in large population cohorts (gnomAD); This variant is associated with the following publications: (PMID: 2263616, 31589614, 24166829, 23430928)

Myriad Genetics, Inc.
Classification: Pathogenic for Argininosuccinate lyase deficiency. Last evaluated: 2021-11-03. Review status: criteria provided, single submitter. Criteria: Myriad Women's Health Autosomal Recessive and X-Linked Classification Criteria (2021). Collection method: clinical testing. Allele origin: unknown.
Comment: NM_001024943.1(ASL):c.447-1G>A is a canonical splice variant classified as pathogenic in the context of argininosuccinic aciduria. c.447-1G>A has been observed in cases with relevant disease (PMID: 23430928, 24166829). Functional assessments of this variant are not available in the literature. c.447-1G>A has been observed in population frequency databases (gnomAD: NFE 0.003%). In summary, NM_001024943.1(ASL):c.447-1G>A is a canonical splice variant that has been observed more frequently in cases with the relevant disease than in healthy populations. Please note: this variant was assessed in the context of healthy population screening.

Dr. Peter K. Rogan Lab, Western University
No classification provided (evidence only). Condition: Sarcoma. Review status: no classification provided. Collection method: in vitro. Allele origin: not applicable. Functional consequence: retained intron. Not counted in ClinVar's aggregate classification.

Literature cited by the submitters: PubMed 16199547 (cited by Labcorp Genetics (formerly Invitae), Labcorp); PubMed 2263616 (cited by Labcorp Genetics (formerly Invitae), Labcorp); PubMed 24166829 (cited by 4 submitters); PubMed 23430928 (cited by 3 submitters).